The following is an entry in ClinVar:

ClinVar aggregate classification (germline): Uncertain significance (1 of 4 stars; one submission).

Conditions:
Neuronal ceroid lipofuscinosis. Also called: Neuronal Ceroid Lipofuscinoses. Identifiers: Orphanet 216, Orphanet 79263, MedGen C0027877, MONDO:0016295. Disease mechanism: loss of function.

Allele frequency attached by ClinVar (database versions not stated): gnomAD 0.00005; gnomAD exomes 0.00006; TOPMed 0.00006; ExAC 0.00010; ESP Exome Variant Server 0.00015.
gnomAD v4.1: 30 of 1,613,874 alleles (0.0019%); highest among the groups gnomAD compares: Admixed American, 0.037%; no homozygotes.

Submission:

Labcorp Genetics (formerly Invitae), Labcorp
Classification: Uncertain significance for Neuronal ceroid lipofuscinosis. Last evaluated: 2022-08-31. Review status: criteria provided, single submitter. Criteria: Invitae Variant Classification Sherloc (09022015). Collection method: clinical testing. Allele origin: germline.
Comment: This sequence change replaces alanine, which is neutral and non-polar, with threonine, which is neutral and polar, at codon 278 of the CLN6 protein (p.Ala278Thr). This variant is present in population databases (rs143728911, gnomAD 0.04%). This variant has not been reported in the literature in individuals affected with CLN6-related conditions. ClinVar contains an entry for this variant (Variation ID: 457977). Algorithms developed to predict the effect of missense changes on protein structure and function output the following: SIFT: "Tolerated"; PolyPhen-2: "Benign"; Align-GVGD: "Class C0". The threonine amino acid residue is found in multiple mammalian species, which suggests that this missense change does not adversely affect protein function. In summary, the available evidence is currently insufficient to determine the role of this variant in disease. Therefore, it has been classified as a Variant of Uncertain Significance.

NM_017882.3(CLN6):c.832G>A (p.Ala278Thr)

Gene: CLN6 (CLN6 transmembrane ER protein; minus strand). Cytogenetic location: 15q23.
Variant type: single nucleotide variant.
Coding change: c.832G>A on transcript NM_017882.3 (MANE Select); coding-DNA position 832, G replaced by A.
Protein change: p.Ala278Thr; replaces alanine 278 with threonine.
Molecular consequence: missense variant.
Genome position (GRCh38, 1-based): chr15:68,208,244, C>T on the plus strand (G>A on the coding strand, the complement: CLN6 is on the minus strand). VCF-style: chr15-68208244-C-T. GRCh37 (hg19) VCF-style: chr15-68500582-C-T.
Other names: short protein forms A278T.
Identifiers: ClinVar variation 457977 (VCV000457977.7), dbSNP rs143728911, ClinGen allele CA7630462.